The following is an entry in ClinVar:

ClinVar aggregate classification (germline): Likely benign (1 of 4 stars; one submission).

Allele frequency attached by ClinVar (database versions not stated): 1000 Genomes Project 0.00100; 1000 Genomes Project 30x 0.00125; gnomAD 0.00394; ESP Exome Variant Server 0.00395; TOPMed 0.00400; ExAC 0.00503.
gnomAD v4.1: 10,094 of 1,570,910 alleles (0.64%); highest among the groups gnomAD compares: Non-Finnish European, 0.81%; 36 homozygotes.

Submission:

CeGaT Center for Human Genetics Tuebingen
Classification: Likely benign. Last evaluated: 2023-01-01. Review status: criteria provided, single submitter. Criteria: CeGaT Center For Human Genetics Tuebingen Variant Classification Criteria Version 2. Collection method: clinical testing. Allele origin: germline. Affected: yes. Observed: 1 variant allele.
Comment: CAMSAP3: PP2, BS2

NM_020902.2(CAMSAP3):c.1975G>C (p.Gly659Arg)

Gene: CAMSAP3 (calmodulin regulated spectrin associated protein family member 3; plus strand). Cytogenetic location: 19p13.2.
Variant type: single nucleotide variant.
Coding change: c.1975G>C on transcript NM_020902.2 (MANE Select); coding-DNA position 1975, G replaced by C.
Protein change: p.Gly659Arg; replaces glycine 659 with arginine.
Molecular consequence: missense variant.
Genome position (GRCh38, 1-based): chr19:7,612,468, G>C. VCF-style: chr19-7612468-G-C. GRCh37 (hg19) VCF-style: chr19-7677354-G-C.
Other names: c.2056G>C, p.Gly686Arg (NM_001080429.3); short protein forms G659R, G686R.
Identifiers: ClinVar variation 2649167 (VCV002649167.24), dbSNP rs138441786, ClinGen allele CA9141355.
Genomic context (GRCh38, chr19:7,612,468, plus strand): 5'-CAGGTGCAGCCGCGGGAAGCCTCTGGGGAGGCGGAAGCAGAGGCGGAGGAGGCCGATTCC[G>C]GTCCAGTCCCTGGTGGGGAGCGGCCCGCAGGCGAGGGCCAGGGTGAGCCAACCTCACGGC-3'
Protein context (NP_065953.1, residues 649-669): AEAEAEEADS[Gly659Arg]PVPGGERPAG